The following is an entry in ClinVar:

ClinVar aggregate classification (germline): Uncertain significance (1 of 4 stars; one submission).

Submission:

GeneDx
Classification: Uncertain significance. Last evaluated: 2021-11-17. Review status: criteria provided, single submitter. Criteria: GeneDx Variant Classification Process June 2021. Collection method: clinical testing. Allele origin: germline. Affected: yes.
Comment: Has not been previously published as pathogenic or benign to our knowledge; Not observed at significant frequency in large population cohorts (gnomAD); At the protein level, in silico analysis supports that this missense variant has a deleterious effect on protein structure/function; At the mRNA level, in silico analysis supports a deleterious effect on splicing

NM_003238.6(TGFB2):c.611C>G (p.Thr204Ser)

Gene: TGFB2 (transforming growth factor beta 2; plus strand). Cytogenetic location: 1q41.
Variant type: single nucleotide variant.
Coding change: c.611C>G on transcript NM_003238.6 (MANE Select); coding-DNA position 611, C replaced by G.
Protein change: p.Thr204Ser; replaces threonine 204 with serine.
Molecular consequence: missense variant. On other transcripts: non-coding transcript variant (2).
Genome position (GRCh38, 1-based): chr1:218,434,182, C>G. VCF-style: chr1-218434182-C-G. GRCh37 (hg19) VCF-style: chr1-218607524-C-G.
Other names: c.695C>G, p.Thr232Ser (NM_001135599.4); short protein forms T204S, T232S.
Identifiers: ClinVar variation 1686710 (VCV001686710.2), dbSNP rs1659896577, ClinGen allele CA344726637.